The following is an entry in ClinVar:

ClinVar aggregate classification (germline): Benign. Review status: criteria provided, multiple submitters, no conflicts (2 of 4 stars). 7 submissions from 7 submitters: Benign (7). Last evaluated 2026-01-15.

Conditions:
Spastic paraplegia. Identifiers: MedGen C0037772, HP:0001258.
Hereditary spastic paraplegia. Also called: Familial spastic paraparesis. Identifiers: Orphanet 685, MedGen C0037773, MONDO:0019064. Disease mechanism: loss of function.
Hereditary spastic paraplegia 13 (SPG13). Also called: Spastic paraplegia 13; SPASTIC PARAPLEGIA 13, AUTOSOMAL DOMINANT. Identifiers: Orphanet 100994, MedGen C1854467, MONDO:0011532, OMIM 605280.

Allele frequency attached by ClinVar (database versions not stated): gnomAD exomes 0.00076 and 0.00185; ExAC 0.00233; ESP Exome Variant Server 0.00677; gnomAD 0.00688 and 0.00727; TOPMed 0.00781; 1000 Genomes Project 30x 0.01015; 1000 Genomes Project 0.01038.
gnomAD v4.1: 2,238 of 1,613,962 alleles (0.14%); highest among the groups gnomAD compares: African/African-American, 2.4%; 31 homozygotes.

Submissions (7):

Labcorp Genetics (formerly Invitae), Labcorp
Classification: Benign for Spastic paraplegia. Last evaluated: 2026-01-15. Review status: criteria provided, single submitter. Criteria: Invitae Variant Classification Sherloc (09022015). Collection method: clinical testing. Allele origin: germline.

Athena Diagnostics
Classification: Benign. Last evaluated: 2025-01-02. Review status: criteria provided, single submitter. Criteria: Athena Diagnostics Criteria. Collection method: clinical testing. Allele origin: unknown.
Comment: The frequency of this variant in the general population is higher than would generally be expected for pathogenic variants in this gene.

Genome Diagnostics Laboratory, The Hospital for Sick Children
Classification: Benign for Hereditary spastic paraplegia. Last evaluated: 2021-05-14. Review status: criteria provided, single submitter. Criteria: ACMG Guidelines, 2015. Collection method: clinical testing. Allele origin: germline. Affected: yes.

Mayo Clinic Laboratories, Mayo Clinic
Classification: Benign. Last evaluated: 2019-09-12. Review status: criteria provided, single submitter. Criteria: ACMG Guidelines, 2015. Collection method: clinical testing. Allele origin: germline. Observed: 7 variant alleles.

Illumina Laboratory Services, Illumina
Classification: Benign for Hereditary spastic paraplegia 13. Last evaluated: 2018-01-12. Review status: criteria provided, single submitter. Criteria: ICSL Variant Classification Criteria 13 December 2019. Collection method: clinical testing. Allele origin: germline.
Comment: This variant was observed in the ICSL laboratory as part of a predisposition screen in an ostensibly healthy population. It had not been previously curated by ICSL or reported in the Human Gene Mutation Database (HGMD: prior to June 1st, 2018), and was therefore a candidate for classification through an automated scoring system. Utilizing variant allele frequency, disease prevalence and penetrance estimates, and inheritance mode, an automated score was calculated to assess if this variant is too frequent to cause the disease. Based on the score and internal cut-off values, a variant classified as benign is not then subjected to further curation. The score for this variant resulted in a classification of benign for this disease.

GeneDx
Classification: Benign. Last evaluated: 2015-03-03. Review status: criteria provided, single submitter. Criteria: GeneDx Variant Classification Process June 2021. Collection method: clinical testing. Allele origin: germline. Affected: yes.

Breakthrough Genomics
Classification: Benign. Review status: criteria provided, single submitter. Criteria: ACMG Guidelines, 2015. Collection method: not provided. Allele origin: germline. Inheritance: Autosomal recessive inheritance. Affected: yes.

NM_002156.5(HSPD1):c.1360T>C (p.Leu454=)

Gene: HSPD1 (heat shock protein family D (Hsp60) member 1; minus strand). Cytogenetic location: 2q33.1.
Variant type: single nucleotide variant.
Coding change: c.1360T>C on transcript NM_002156.5 (MANE Select); coding-DNA position 1360, T replaced by C.
Protein change: p.Leu454=; no amino-acid change (leucine 454 retained).
Molecular consequence: synonymous variant.
Genome position (GRCh38, 1-based): chr2:197,488,347, A>G on the plus strand (T>C on the coding strand, the complement: HSPD1 is on the minus strand). VCF-style: chr2-197488347-A-G. GRCh37 (hg19) VCF-style: chr2-198353071-A-G.
Other names: p.Leu454=; c.1360T>C, p.Leu454= (NM_199440.2).
Identifiers: ClinVar variation 239102 (VCV000239102.23), dbSNP rs147135152, ClinGen allele CA2043391.